The following is an entry in ClinVar:

NM_022132.5(MCCC2):c.1000-2A>G

Gene: MCCC2 (methylcrotonyl-CoA carboxylase subunit 2; plus strand). Cytogenetic location: 5q13.2.
Variant type: single nucleotide variant.
Coding change: c.1000-2A>G on transcript NM_022132.5 (MANE Select); the canonical splice acceptor site of the intron before coding-DNA position 1000, A replaced by G.
Molecular consequence: splice acceptor variant.
Genome position (GRCh38, 1-based): chr5:71,641,001, A>G. VCF-style: chr5-71641001-A-G. GRCh37 (hg19) VCF-style: chr5-70936828-A-G.
Other names: c.1000-2A>G (NM_022132.4); c.886-2A>G (NM_001363147.1).
Identifiers: ClinVar variation 1506282 (VCV001506282.8), dbSNP rs2112453728, ClinGen allele CA359991032.

ClinVar aggregate classification (germline): Likely pathogenic. Review status: criteria provided, multiple submitters, no conflicts (2 of 4 stars). 3 submissions from 3 submitters: Likely pathogenic (3). Last evaluated 2024-04-30.

Conditions:
3-methylcrotonyl-CoA carboxylase 2 deficiency. Also called: METHYLCROTONYLGLYCINURIA, TYPE II; 3 alpha methylcrotonyl-CoA carboxylase 2 deficiency; 3 alpha methylcrotonylglycinuria 2; MCC 2 deficiency; Methylcrotonylglycinuria type 2. Identifiers: Orphanet 6, MedGen C1859499, MONDO:0008862, OMIM 210210.

Allele frequency attached by ClinVar (database versions not stated): gnomAD exomes below 0.00001.
gnomAD v4.1: 2 of 1,613,790 alleles (0.00012%); highest among the groups gnomAD compares: East Asian, 0.0045%; no homozygotes.

Submissions (3):

Natera, Inc.
Classification: Likely pathogenic for 3-methylcrotonyl-CoA carboxylase 2 deficiency. Last evaluated: 2024-04-30. Review status: criteria provided, single submitter. Criteria: Natera Variant Classification Schema (03/2026). Collection method: clinical testing. Allele origin: germline.
Comment: The c.1000-2A>G variant in MCCC2 is a canonical splice acceptor site variant predicted to affect pre-mRNA splicing, which may result in an abnormal transcript and altered protein product. This variant is expected to result in nonsense mediated decay, truncation, or a dysfunctional protein product. This variant is rare in the general population with a frequency below the threshold expected for the associated phenotype(s). Given the available evidence, this variant is classified as Likely Pathogenic.

Labcorp Genetics (formerly Invitae), Labcorp
Classification: Likely pathogenic for 3-methylcrotonyl-CoA carboxylase 2 deficiency. Last evaluated: 2023-07-10. Review status: criteria provided, single submitter. Criteria: Invitae Variant Classification Sherloc (09022015). Collection method: clinical testing. Allele origin: germline.
Comment: In summary, the currently available evidence indicates that the variant is pathogenic, but additional data are needed to prove that conclusively. Therefore, this variant has been classified as Likely Pathogenic. Algorithms developed to predict the effect of sequence changes on RNA splicing suggest that this variant may disrupt the consensus splice site. ClinVar contains an entry for this variant (Variation ID: 1506282). This variant has not been reported in the literature in individuals affected with MCCC2-related conditions. This variant is not present in population databases (gnomAD no frequency). This sequence change affects an acceptor splice site in intron 10 of the MCCC2 gene. It is expected to disrupt RNA splicing. Variants that disrupt the donor or acceptor splice site typically lead to a loss of protein function (PMID: 16199547), and loss-of-function variants in MCCC2 are known to be pathogenic (PMID: 11181649, 22642865).

Baylor Genetics
Classification: Likely pathogenic for 3-methylcrotonyl-CoA carboxylase 2 deficiency. Last evaluated: 2022-06-04. Review status: criteria provided, single submitter. Criteria: ACMG Guidelines, 2015. Collection method: clinical testing. Allele origin: unknown.

Literature cited by the submitters: PubMed 16199547 (cited by Labcorp Genetics (formerly Invitae), Labcorp); PubMed 11181649 (cited by Labcorp Genetics (formerly Invitae), Labcorp); PubMed 22642865 (cited by Labcorp Genetics (formerly Invitae), Labcorp).